The following is an entry in ClinVar:

ClinVar aggregate classification (germline): Uncertain significance (1 of 4 stars; one submission).

Conditions:
Brugada syndrome 8 (BRGDA8). Identifiers: Orphanet 130, MedGen C2751083, MONDO:0013148, OMIM 613123.

gnomAD v4.1: 2 of 1,491,998 alleles (0.00013%); highest among the groups gnomAD compares: Non-Finnish European, 0.000089%; no homozygotes.

Submission:

Labcorp Genetics (formerly Invitae), Labcorp
Classification: Uncertain significance for Brugada syndrome 8. Last evaluated: 2025-05-29. Review status: criteria provided, single submitter. Criteria: Invitae Variant Classification Sherloc (09022015). Collection method: clinical testing. Allele origin: germline.
Comment: This sequence change replaces lysine, which is basic and polar, with arginine, which is basic and polar, at codon 3 of the HCN4 protein (p.Lys3Arg). This variant is not present in population databases (gnomAD no frequency). This variant has not been reported in the literature in individuals affected with HCN4-related conditions. ClinVar contains an entry for this variant (Variation ID: 1392598). Invitae Evidence Modeling of protein sequence and biophysical properties (such as structural, functional, and spatial information, amino acid conservation, physicochemical variation, residue mobility, and thermodynamic stability) indicates that this missense variant is not expected to disrupt HCN4 protein function with a negative predictive value of 95%. In summary, the available evidence is currently insufficient to determine the role of this variant in disease. Therefore, it has been classified as a Variant of Uncertain Significance.

NM_005477.3(HCN4):c.8A>G (p.Lys3Arg)

Gene: HCN4 (hyperpolarization activated cyclic nucleotide gated potassium channel 4; minus strand). Cytogenetic location: 15q24.1.
Variant type: single nucleotide variant.
Coding change: c.8A>G on transcript NM_005477.3 (MANE Select); coding-DNA position 8, A replaced by G.
Protein change: p.Lys3Arg; replaces lysine 3 with arginine.
Molecular consequence: missense variant.
Genome position (GRCh38, 1-based): chr15:73,368,263, T>C on the plus strand (A>G on the coding strand, the complement: HCN4 is on the minus strand). VCF-style: chr15-73368263-T-C. GRCh37 (hg19) VCF-style: chr15-73660604-T-C.
Other names: short protein forms K3R.
Identifiers: ClinVar variation 1392598 (VCV001392598.8), dbSNP rs1267513363, ClinGen allele CA393099283.
Genomic context (GRCh38, chr15:73,368,263, plus strand): 5'-GCCTTGGCCCCCACCTGCTGCGGGAGGCTGTAGAGCCGCTTGCGCATGGACGGCGGCAGC[T>C]TGTCCATGGCGCCAGGGGCCGGGGTCGGACCGGGCCGGGGGCAGGAGCGCGGCGCCGCGG-3'
Protein context (NP_005468.1, residues 1-13): MD[Lys3Arg]LPPSMRKRLY